The following is an entry in ClinVar:

ClinVar aggregate classification (germline): Uncertain significance (1 of 4 stars; one submission).

Conditions:
Epidermolysis bullosa simplex 5B, with muscular dystrophy (EBS5B). Also called: EPIDERMOLYSIS BULLOSA SIMPLEX AND LIMB-GIRDLE MUSCULAR DYSTROPHY; Epidermolysis bullosa simplex with muscular dystrophy. Identifiers: Orphanet 257, MedGen C2931072, MONDO:0009181, OMIM 226670.
Epidermolysis bullosa simplex, Ogna type (EBS5A). Also called: Pidermolysis bullosa simplex 5A, Ogna type; EPIDERMOLYSIS BULLOSA SIMPLEX 5A, OGNA TYPE. Identifiers: Orphanet 79401, MedGen C0432317, MONDO:0007555, OMIM 131950.
Epidermolysis bullosa simplex 5C, with pyloric atresia (EBS5C). Also called: Epidermolysis bullosa simplex with pyloric atresia; PLEC-Related Epidermolysis Bullosa with Pyloric Atresia; PLEC1-Related Epidermolysis Bullosa with Pyloric Atresia. Identifiers: Orphanet 158684, MedGen C2677349, MONDO:0012807, OMIM 612138.
Epidermolysis bullosa simplex with nail dystrophy (EBS5D). Identifiers: MedGen C4225309, MONDO:0014661, OMIM 616487.
Autosomal recessive limb-girdle muscular dystrophy type 2Q (LGMDR17). Also called: MUSCULAR DYSTROPHY, LIMB-GIRDLE, AUTOSOMAL RECESSIVE 17. Identifiers: Orphanet 254361, MedGen C3150989, MONDO:0013390, OMIM 613723.

gnomAD v4.1: 4 of 1,610,824 alleles (0.00025%); highest among the groups gnomAD compares: Non-Finnish European, 0.00034%; no homozygotes.

Submission:

Labcorp Genetics (formerly Invitae), Labcorp
Classification: Uncertain significance for Autosomal recessive limb-girdle muscular dystrophy type 2Q; Epidermolysis bullosa simplex, Ogna type; Epidermolysis bullosa simplex with nail dystrophy; Epidermolysis bullosa simplex 5C, with pyloric atresia; Epidermolysis bullosa simplex 5B, with muscular dystrophy. Last evaluated: 2019-06-25. Review status: criteria provided, single submitter. Criteria: Invitae Variant Classification Sherloc (09022015). Collection method: clinical testing. Allele origin: germline.
Comment: In summary, the available evidence is currently insufficient to determine the role of this variant in disease. Therefore, it has been classified as a Variant of Uncertain Significance. Algorithms developed to predict the effect of missense changes on protein structure and function are either unavailable or do not agree on the potential impact of this missense change (SIFT: "Deleterious"; PolyPhen-2: "Not Available"; Align-GVGD: "Class C65"). This sequence change replaces arginine with glycine at codon 717 of the PLEC protein (p.Arg717Gly). The arginine residue is highly conserved and there is a moderate physicochemical difference between arginine and glycine. This variant is not present in population databases (ExAC no frequency). This variant has not been reported in the literature in individuals with PLEC-related conditions.

NM_201384.3(PLEC):c.2068C>G (p.Arg690Gly)

Gene: PLEC (plectin; minus strand). Cytogenetic location: 8q24.3.
Variant type: single nucleotide variant.
Coding change: c.2068C>G on transcript NM_201384.3 (MANE Select); coding-DNA position 2068, C replaced by G.
Protein change: p.Arg690Gly; replaces arginine 690 with glycine.
Molecular consequence: missense variant.
Genome position (GRCh38, 1-based): chr8:143,932,144, G>C on the plus strand (C>G on the coding strand, the complement: PLEC is on the minus strand). VCF-style: chr8-143932144-G-C. GRCh37 (hg19) VCF-style: chr8-145006312-G-C.
Other names: c.2149C>G, p.Arg717Gly (NM_000445.5); c.2026C>G, p.Arg676Gly (NM_201378.4); c.2002C>G, p.Arg668Gly (NM_201379.3); c.2479C>G, p.Arg827Gly (NM_201380.4); c.1972C>G, p.Arg658Gly (NM_201381.3); c.2068C>G, p.Arg690Gly (NM_201382.4); c.2080C>G, p.Arg694Gly (NM_201383.3); short protein forms R658G, R676G, R690G, R694G, R827G, R668G, R717G.
Identifiers: ClinVar variation 935132 (VCV000935132.7), dbSNP rs782788386, ClinGen allele CA372577242.